The following is an entry in ClinVar:

NM_001987.5(ETV6):c.*3638T>C

Gene: ETV6 (ETS variant transcription factor 6; plus strand). Cytogenetic location: 12p13.2.
Variant type: single nucleotide variant.
Coding change: c.*3638T>C on transcript NM_001987.5 (MANE Select); 3638 bases downstream of the stop codon, T replaced by C.
Molecular consequence: 3 prime UTR variant.
Genome position (GRCh38, 1-based): chr12:11,894,684, T>C. VCF-style: chr12-11894684-T-C. GRCh37 (hg19) VCF-style: chr12-12047618-T-C.
Identifiers: ClinVar variation 1183803 (VCV001183803.3), dbSNP rs1573613, ClinGen allele CA13613795.
Genomic context (GRCh38, chr12:11,894,684, plus strand): 5'-ATTCAAATGGCTGTGACAATTTACCGAAATGATGAAGTAACCACCATTCCCACCTTTCAC[T>C]GCCTAGGCTCCAAGTCTGAATACATTTTTGAAATAGGAACTCCCTTTTGCAAAAAAGAAA-3'

ClinVar aggregate classification (germline): Benign. Review status: criteria provided, multiple submitters, no conflicts (2 of 4 stars). 2 submissions from 2 submitters: Benign (2). Last evaluated 2020-07-14.

Allele frequency attached by ClinVar (database versions not stated): gnomAD exomes 0.46167; gnomAD 0.48241 and 0.48541; 1000 Genomes Project 0.50260; TOPMed 0.50322; 1000 Genomes Project 30x 0.50609.
gnomAD v4.1: 110,719 of 232,830 alleles (48%); highest among the groups gnomAD compares: African/African-American, 57%; 26,944 homozygotes.

Submissions (2):

GeneDx
Classification: Benign. Last evaluated: 2020-07-14. Review status: criteria provided, single submitter. Criteria: GeneDx Variant Classification Process June 2021. Collection method: clinical testing. Allele origin: germline. Affected: yes.
Comment: This variant is associated with the following publications: (PMID: 24886876)

Breakthrough Genomics
Classification: Benign. Review status: criteria provided, single submitter. Criteria: ACMG Guidelines, 2015. Collection method: not provided. Allele origin: germline. Inheritance: Autosomal dominant inheritance. Affected: yes.